The following is an entry in ClinVar:

ClinVar aggregate classification (germline): Uncertain significance (0 of 4 stars; one submission).

Allele frequency attached by ClinVar (database versions not stated): gnomAD exomes 0.00001.
gnomAD v4.1: 19 of 1,598,320 alleles (0.0012%); highest among the groups gnomAD compares: East Asian, 0.0022%; no homozygotes.

Submission:

Department of Pathology and Laboratory Medicine, Sinai Health System
Classification: Uncertain significance. Review status: no assertion criteria provided. Collection method: clinical testing. Allele origin: unknown. Affected: yes. Study: The Canadian Open Genetics Repository (COGR).
Comment: The PKD1 p.Gly2428Gly variant was not identified in the literature nor was it identified in ClinVar, LOVD 3.0 or the ADPKD Mutation Database. The variant was identified in dbSNP (ID: rs1177672366) and in control databases in 3 of 234918 chromosomes at a frequency of 0.000013 (Genome Aggregation Database Feb 27, 2017). The variant was observed in the following populations: East Asian in 1 of 17764 chromosomes (freq: 0.000056), South Asian in 1 of 30330 chromosomes (freq: 0.000033), European (non-Finnish) in 1 of 108792 chromosomes (freq: 0.000009); it was not observed in the African, Latino, Ashkenazi Jewish, European (Finnish), and Other populations. In addition we cannot be certain that data from control databases is specific to PKD1 and not from one of the six PKD1 pseudogenes. The p.Gly2428Gly variant is not expected to have clinical significance because it does not result in a change of amino acid and is not located in a known consensus splice site. The variant occurs outside of the splicing consensus sequence however 3 of 4 in silico or computational prediction software programs (MaxEntScan, NNSPLICE, GeneSplicer) predict a greater than 10% difference in splicing and the creation of a new 5' splice site. However, this information is not predictive enough to assume pathogenicity. In summary, based on the above information the clinical significance of this variant cannot be determined with certainty at this time. This variant is classified as a variant of uncertain significance.

NM_001009944.3(PKD1):c.7284C>T (p.Gly2428=)

Gene: PKD1 (polycystin 1, transient receptor potential channel interacting; minus strand). Cytogenetic location: 16p13.3.
Variant type: single nucleotide variant.
Coding change: c.7284C>T on transcript NM_001009944.3 (MANE Select); coding-DNA position 7284, C replaced by T.
Protein change: p.Gly2428=; no amino-acid change (glycine 2428 retained).
Molecular consequence: synonymous variant.
Genome position (GRCh38, 1-based): chr16:2,106,603, G>A on the plus strand (C>T on the coding strand, the complement: PKD1 is on the minus strand). VCF-style: chr16-2106603-G-A. GRCh37 (hg19) VCF-style: chr16-2156604-G-A.
Other names: c.7284C>T, p.Gly2428= (NM_000296.4).
Identifiers: ClinVar variation 1050125 (VCV001050125.1), dbSNP rs1177672366, ClinGen allele CA493046790.